The following is an entry in ClinVar:

NM_000552.5(VWF):c.8318G>C (p.Cys2773Ser)

Gene: VWF (von Willebrand factor; minus strand). Cytogenetic location: 12p13.31.
Variant type: single nucleotide variant.
Coding change: c.8318G>C on transcript NM_000552.5 (MANE Select); coding-DNA position 8318, G replaced by C.
Protein change: p.Cys2773Ser; replaces cysteine 2773 with serine.
Molecular consequence: missense variant.
Genome position (GRCh38, 1-based): chr12:5,949,139, C>G on the plus strand (G>C on the coding strand, the complement: VWF is on the minus strand). VCF-style: chr12-5949139-C-G. GRCh37 (hg19) VCF-style: chr12-6058305-C-G.
Other names: NM_000552.5(VWF):c.8318G>C; p.Cys2773Ser; short protein forms C2773S.
Identifiers: ClinVar variation 100503 (VCV000100503.2), dbSNP rs61751311, ClinGen allele CA228847.
Genomic context (GRCh38, chr12:5,949,139, plus strand): 5'-ACAGAGCCATTGGTGCAGTGCAGGGCCACCTGCATGGGCTCCGTCCGTGTCGGAGAGCAG[C>G]AGGAGCACTGGTCCTGCACATCGTTGATGTCAATGGAGTACATGGCTTTGCTGGCACATT-3'
Protein context (NP_000543.3, residues 2763-2783): DINDVQDQCS[Cys2773Ser]CSPTRTEPMQ

ClinVar aggregate classification (germline): Pathogenic. Review status: reviewed by expert panel (3 of 4 stars). 2 submissions from 2 submitters: Pathogenic (1). 1 of the submissions does not count toward it. Last evaluated 2024-08-12.

Conditions:
Von Willebrand disease type 2A. Identifiers: Orphanet 166084, MedGen C1282968, MONDO:0015628. Inheritance: Autosomal recessive or autosomal dominant.

Submissions (2):

ClinGen von Willebrand Disease Variant Curation Expert Panel, ClinGen
Classification: Pathogenic for Von Willebrand disease type 2A. Last evaluated: 2024-08-12. Review status: reviewed by expert panel. Criteria: ClinGen VWD 2A B M Rules. Collection method: curation. Allele origin: germline. Inheritance: Autosomal dominant inheritance.
Comment: The NM_000552.5(VWF):c.8318G>C variant in VWF is a missense variant predicted to cause substitution of cysteine by serine at amino acid 2773. This variant is absent from gnomAD v4.1 (PM2_Supporting). At least one patients with this variant displayed laboratory phenotypes of excessive mucocutaneous bleeding, very low VWF activity (measured by VWF:RCo assay), low VWF:RCo/VWF:Ag ratio, and loss of high molecular weight multimers, which together are highly specific for VWD Type 2A (PP4_moderate, PMID: 17139364). This variant has been reported in 3 additional probands meeting type 2A laboratory criteria for PP4 (PS4_moderate; PMID: 21979291, 32664776, 28971901), and one was a de novo occurrence with unconfirmed parental relationships (PS2_Moderate; PMID: 32664776). Multimerization assay performed with the p.Cys2773Ser recombinant mutant and wild-type vWF co-expressed by HEK293 cells showed abnormal multimers (PMID: 17139364 Fig. 2) that were counteracted by an allele-specific siRNA targeting the mutant transgene, indicating that this variant has a damaging effect on protein function (PMID: 29734512)(PS3_supporting). The computational predictor REVEL gives a score of 0.876, which is above the ClinGen VWD VCEP threshold of >0.644 and predicts a damaging effect on VWF function (PP3). In summary, this variant meets the criteria to be classified as Pathogenic for von Willebrand disease type 2A. ACMG/AMP criteria applied as specified by the ClinGen von Willebrand disease Variant Curation Expert Panel: PP4_Moderate, PS2_Moderate, PS4_Moderate, PS3, PP3, PM2_Supporting.

Academic Unit of Haematology, University of Sheffield
No classification provided. Review status: no classification provided. Collection method: not provided. Allele origin: not provided. Not counted in ClinVar's aggregate classification.